The following is an entry in ClinVar:

ClinVar aggregate classification (germline): Uncertain significance (1 of 4 stars; one submission).

Allele frequency attached by ClinVar (database versions not stated): TOPMed below 0.00001; gnomAD 0.00001.
gnomAD v4.1: 1 of 1,613,558 alleles (0.000062%); highest among the groups gnomAD compares: Non-Finnish European, 0.000085%; no homozygotes.

Submission:

Labcorp Genetics (formerly Invitae), Labcorp
Classification: Uncertain significance. Last evaluated: 2022-06-27. Review status: criteria provided, single submitter. Criteria: Invitae Variant Classification Sherloc (09022015). Collection method: clinical testing. Allele origin: germline.
Comment: This sequence change replaces arginine, which is basic and polar, with glycine, which is neutral and non-polar, at codon 787 of the ERCC6 protein (p.Arg787Gly). This variant is not present in population databases (gnomAD no frequency). This variant has not been reported in the literature in individuals affected with ERCC6-related conditions. Algorithms developed to predict the effect of missense changes on protein structure and function output the following: SIFT: "Tolerated"; PolyPhen-2: "Benign"; Align-GVGD: "Class C0". The glycine amino acid residue is found in multiple mammalian species, which suggests that this missense change does not adversely affect protein function. In summary, the available evidence is currently insufficient to determine the role of this variant in disease. Therefore, it has been classified as a Variant of Uncertain Significance.

NM_000124.4(ERCC6):c.2359A>G (p.Arg787Gly)

Gene: ERCC6 (ERCC excision repair 6, chromatin remodeling factor; minus strand). Cytogenetic location: 10q11.23.
Variant type: single nucleotide variant.
Coding change: c.2359A>G on transcript NM_000124.4 (MANE Select); coding-DNA position 2359, A replaced by G.
Protein change: p.Arg787Gly; replaces arginine 787 with glycine.
Molecular consequence: missense variant.
Genome position (GRCh38, 1-based): chr10:49,476,238, T>C on the plus strand (A>G on the coding strand, the complement: ERCC6 is on the minus strand). VCF-style: chr10-49476238-T-C. GRCh37 (hg19) VCF-style: chr10-50684284-T-C.
Other names: c.2359A>G, p.Arg787Gly (NM_001346440.2); short protein forms R787G.
Identifiers: ClinVar variation 1484166 (VCV001484166.5), dbSNP rs948909155, ClinGen allele CA206591346.